The following is an entry in ClinVar:

ClinVar aggregate classification (germline): Uncertain significance. Review status: criteria provided, multiple submitters, no conflicts (2 of 4 stars). 2 submissions from 2 submitters: Uncertain significance (2). Last evaluated 2024-09-24.

Conditions:
Cardiovascular phenotype. Identifiers: MedGen CN230736.

Allele frequency attached by ClinVar (database versions not stated): TOPMed 0.00001; ESP Exome Variant Server 0.00008; gnomAD exomes below 0.00001; ExAC 0.00001; gnomAD 0.00001.
gnomAD v4.1: 3 of 1,613,292 alleles (0.00019%); highest among the groups gnomAD compares: African/African-American, 0.004%; no homozygotes.

Submissions (2):

Ambry Genetics
Classification: Uncertain significance for Cardiovascular phenotype. Last evaluated: 2024-09-24. Review status: criteria provided, single submitter. Criteria: Ambry Variant Classification Scheme 2023. Collection method: clinical testing. Allele origin: germline.
Comment: The p.K460R variant (also known as c.1379A>G), located in coding exon 12 of the PRDM5 gene, results from an A to G substitution at nucleotide position 1379. The lysine at codon 460 is replaced by arginine, an amino acid with highly similar properties. This amino acid position is conserved. In addition, the in silico prediction for this alteration is inconclusive. Based on the available evidence, the clinical significance of this variant remains unclear.

CeGaT Center for Human Genetics Tuebingen
Classification: Uncertain significance. Last evaluated: 2020-04-01. Review status: criteria provided, single submitter. Criteria: CeGaT Center For Human Genetics Tuebingen Variant Classification Criteria Version 2. Collection method: clinical testing. Allele origin: germline. Affected: yes. Observed: 1 variant allele.

NM_018699.4(PRDM5):c.1379A>G (p.Lys460Arg)

Gene: PRDM5 (PR/SET domain 5; minus strand). Cytogenetic location: 4q27.
Variant type: single nucleotide variant.
Coding change: c.1379A>G on transcript NM_018699.4 (MANE Select); coding-DNA position 1379, A replaced by G.
Protein change: p.Lys460Arg; replaces lysine 460 with arginine.
Molecular consequence: missense variant.
Genome position (GRCh38, 1-based): chr4:120,781,207, T>C on the plus strand (A>G on the coding strand, the complement: PRDM5 is on the minus strand). VCF-style: chr4-120781207-T-C. GRCh37 (hg19) VCF-style: chr4-121702362-T-C.
Other names: c.1286A>G, p.Lys429Arg (NM_001300823.2, NM_001300824.2, NM_001379106.1); c.1412A>G, p.Lys471Arg (NM_001379104.1); short protein forms K460R, K429R, K471R.
Identifiers: ClinVar variation 347435 (VCV000347435.46), dbSNP rs371617787, ClinGen allele CA3061064.